The following is an entry in ClinVar:

ClinVar aggregate classification (germline): Pathogenic. Review status: criteria provided, multiple submitters, no conflicts (2 of 4 stars). 4 submissions from 4 submitters: Pathogenic (4). Last evaluated 2025-05-19.

Conditions:
Cardiovascular phenotype. Identifiers: MedGen CN230736.
Hypertrophic cardiomyopathy. Also called: HYPERTROPHIC MYOCARDIOPATHY. Identifiers: Orphanet 217569, MedGen C0007194, MeSH D002312, MONDO:0005045, HP:0001639.

Submissions (4):

GeneDx
Classification: Pathogenic. Last evaluated: 2025-05-19. Review status: criteria provided, single submitter. Criteria: GeneDx Variant Classification Process June 2021. Collection method: clinical testing. Allele origin: germline. Affected: yes.
Comment: Identified in patients with HCM referred for genetic testing at GeneDx and in published literature (PMID: 37652022); Frameshift variant predicted to result in protein truncation or nonsense mediated decay in a gene for which loss-of-function is a known mechanism of disease; Not observed at significant frequency in large population cohorts (gnomAD); This variant is associated with the following publications: (PMID: 34542152, 37652022)

Ambry Genetics
Classification: Pathogenic for Cardiovascular phenotype. Last evaluated: 2025-02-18. Review status: criteria provided, single submitter. Criteria: Ambry Variant Classification Scheme 2023. Collection method: clinical testing. Allele origin: germline.
Comment: The c.1792delG pathogenic mutation, located in coding exon 19 of the MYBPC3 gene, results from a deletion of one nucleotide at nucleotide position 1792, causing a translational frameshift with a predicted alternate stop codon (p.V598Sfs*4). This variant was reported in individual(s) with features consistent with hypertrophic cardiomyopathy (HCM) (McGurk KA et al. Am J Hum Genet, 2023 Sep;110:1482-1495; Ambry internal data). This variant is considered to be rare based on population cohorts in the Genome Aggregation Database (gnomAD). This alteration is expected to result in loss of function by premature protein truncation or nonsense-mediated mRNA decay. As such, this alteration is interpreted as a disease-causing mutation.

Labcorp Genetics (formerly Invitae), Labcorp
Classification: Pathogenic for Hypertrophic cardiomyopathy. Last evaluated: 2024-09-03. Review status: criteria provided, single submitter. Criteria: Invitae Variant Classification Sherloc (09022015). Collection method: clinical testing. Allele origin: germline.
Comment: This sequence change creates a premature translational stop signal (p.Val598Serfs*4) in the MYBPC3 gene. It is expected to result in an absent or disrupted protein product. Loss-of-function variants in MYBPC3 are known to be pathogenic (PMID: 19574547). This variant is not present in population databases (gnomAD no frequency). This variant has not been reported in the literature in individuals affected with MYBPC3-related conditions. ClinVar contains an entry for this variant (Variation ID: 181074). For these reasons, this variant has been classified as Pathogenic.

Laboratory for Molecular Medicine, Mass General Brigham Personalized Medicine
Classification: Pathogenic for Hypertrophic cardiomyopathy. Last evaluated: 2017-08-15. Review status: criteria provided, single submitter. Criteria: ACMG Guidelines, 2015. Collection method: clinical testing. Allele origin: germline. Inheritance: Autosomal dominant inheritance.
Comment: The p.Val598fs variant in MYBPC3 has not been previously reported in the literature, but has been reported in ClinVar (Variation ID 181074). It was absent from large population studies. This variant is predicted to cause a frameshift, which alters the protein’s amino acid sequence beginning at position 598 and leads to a premature termination codon 4 amino acids downstream. This alteration is then predicted to lead to a truncated or absent protein. Heterozygous loss of function of the MYBPC3 gene is an established disease mechanism in HCM. In summary, the p.Val598fs variant meets criteria to be classified as pathogenic for HCM in an autosomal dominant manner based upon its predicted impact to the protein and absence from controls.

Literature cited by the submitters: PubMed 37652022 (cited by Ambry Genetics); PubMed 19574547 (cited by Labcorp Genetics (formerly Invitae), Labcorp); PubMed 28087566 (cited by Laboratory for Molecular Medicine, Mass General Brigham Personalized Medicine).

NM_000256.3(MYBPC3):c.1792delG

Gene: MYBPC3 (myosin binding protein C3; minus strand). Cytogenetic location: 11p11.2.
Variant type: Deletion.
Coding change: c.1792delG on transcript NM_000256.3 (MANE Select); coding-DNA position 1792, one base deleted (G).
Molecular consequence: splice acceptor variant.
Genome position (GRCh38, 1-based): chr11:47,341,243, C deleted on the plus strand (G on the coding strand, the reverse complement: MYBPC3 is on the minus strand); the first of 3 consecutive C bases (chr11:47,341,243-47,341,245); deleting any one gives the same sequence. VCF-style (leftmost placement, unchanged base first): chr11-47341242-AC-A. GRCh37 (hg19) VCF-style: chr11-47362793-AC-A.
Other names: c.1792del (NM_000256.3).
Identifiers: ClinVar variation 181074 (VCV000181074.14), dbSNP rs730880647, ClinGen allele CA011164.